The following is an entry in ClinVar:

NM_000124.4(ERCC6):c.2444G>T (p.Gly815Val)

Gene: ERCC6 (ERCC excision repair 6, chromatin remodeling factor; minus strand). Cytogenetic location: 10q11.23.
Variant type: single nucleotide variant.
Coding change: c.2444G>T on transcript NM_000124.4 (MANE Select); coding-DNA position 2444, G replaced by T.
Protein change: p.Gly815Val; replaces glycine 815 with valine.
Molecular consequence: missense variant.
Genome position (GRCh38, 1-based): chr10:49,474,181, C>A on the plus strand (G>T on the coding strand, the complement: ERCC6 is on the minus strand). VCF-style: chr10-49474181-C-A. GRCh37 (hg19) VCF-style: chr10-50682227-C-A.
Other names: c.2444G>T, p.Gly815Val (NM_001346440.2); short protein forms G815V.
Identifiers: ClinVar variation 2046818 (VCV002046818.3), dbSNP rs1244031899, ClinGen allele CA376721719.

ClinVar aggregate classification (germline): Uncertain significance (1 of 4 stars; one submission).

Allele frequency attached by ClinVar (database versions not stated): TOPMed below 0.00001.
gnomAD v4.1: 1 of 1,614,096 alleles (0.000062%); no homozygotes.

Submission:

Labcorp Genetics (formerly Invitae), Labcorp
Classification: Uncertain significance. Last evaluated: 2024-10-08. Review status: criteria provided, single submitter. Criteria: Invitae Variant Classification Sherloc (09022015). Collection method: clinical testing. Allele origin: germline.
Comment: This sequence change replaces glycine, which is neutral and non-polar, with valine, which is neutral and non-polar, at codon 815 of the ERCC6 protein (p.Gly815Val). This variant is not present in population databases (gnomAD no frequency). This variant has not been reported in the literature in individuals affected with ERCC6-related conditions. ClinVar contains an entry for this variant (Variation ID: 2046818). Invitae Evidence Modeling of protein sequence and biophysical properties (such as structural, functional, and spatial information, amino acid conservation, physicochemical variation, residue mobility, and thermodynamic stability) indicates that this missense variant is expected to disrupt ERCC6 protein function with a positive predictive value of 80%. In summary, the available evidence is currently insufficient to determine the role of this variant in disease. Therefore, it has been classified as a Variant of Uncertain Significance.